The following is an entry in ClinVar:

NM_021738.3(SVIL):c.5490G>A (p.Ala1830=)

Genes: SVIL (supervillin; minus strand), SVIL-AS1 (SVIL antisense RNA 1; plus strand). Cytogenetic location: 10p11.23.
Variant type: single nucleotide variant.
Coding change: c.5490G>A on transcript NM_021738.3 (MANE Select); coding-DNA position 5490, G replaced by A.
Protein change: p.Ala1830=; no amino-acid change (alanine 1830 retained).
Molecular consequence: synonymous variant.
Genome position (GRCh38, 1-based): chr10:29,473,877, C>T on the plus strand (G>A on the coding strand, the complement: SVIL is on the minus strand). VCF-style: chr10-29473877-C-T. GRCh37 (hg19) VCF-style: chr10-29762806-C-T.
Other names: c.4560G>A, p.Ala1520= (NM_001323599.2); c.4308G>A, p.Ala1436= (NM_001323600.1); c.4212G>A, p.Ala1404= (NM_003174.3).
Identifiers: ClinVar variation 4873210 (VCV004873210.2).

ClinVar aggregate classification (germline): Likely benign (1 of 4 stars; one submission).

gnomAD v4.1: 68 of 1,614,008 alleles (0.0042%); highest among the groups gnomAD compares: Middle Eastern, 0.099%; no homozygotes.

Submission:

CeGaT Center for Human Genetics Tuebingen
Classification: Likely benign. Last evaluated: 2026-03-01. Review status: criteria provided, single submitter. Criteria: CeGaT Center For Human Genetics Tuebingen Variant Classification Criteria Version 2. Collection method: clinical testing. Allele origin: germline. Affected: yes. Observed: 1 variant allele.
Comment: SVIL: BP4, BP7